The following is an entry in ClinVar:

NM_183235.3(RAB27A):c.239+1G>T

Gene: RAB27A (RAB27A, member RAS oncogene family; minus strand). Cytogenetic location: 15q21.3.
Variant type: single nucleotide variant.
Coding change: c.239+1G>T on transcript NM_183235.3 (MANE Select); the canonical splice donor site of the intron after coding-DNA position 239, G replaced by T.
Molecular consequence: splice donor variant.
Genome position (GRCh38, 1-based): chr15:55,230,400, C>A on the plus strand (G>T on the coding strand, the complement: RAB27A is on the minus strand). VCF-style: chr15-55230400-C-A. GRCh37 (hg19) VCF-style: chr15-55522598-C-A.
Other names: c.239+1G>T (NM_001438970.1, NM_001438977.1, NM_001438975.1 and 11 more transcripts).
Identifiers: ClinVar variation 1694156 (VCV001694156.9), dbSNP rs761810607, ClinGen allele CA7573658.

ClinVar aggregate classification (germline): Pathogenic. Review status: criteria provided, multiple submitters, no conflicts (2 of 4 stars). 3 submissions from 3 submitters: Pathogenic (3). Last evaluated 2023-02-14.

Conditions:
Autoinflammatory syndrome. Identifiers: Orphanet 93665, MedGen C3890737, MONDO:0019751.
Griscelli syndrome type 2 (GS2). Also called: GRISCELLI SYNDROME WITH HEMOPHAGOCYTIC SYNDROME; PAID SYNDROME; PARTIAL ALBINISM AND IMMUNODEFICIENCY SYNDROME. Identifiers: Orphanet 381, Orphanet 79477, MedGen C1868679, MONDO:0011872, OMIM 607624.

Allele frequency attached by ClinVar (database versions not stated): gnomAD exomes 0.00001 and 0.00002; ExAC 0.00002.
gnomAD v4.1: 9 of 1,608,164 alleles (0.00056%); highest among the groups gnomAD compares: South Asian, 0.0099%; no homozygotes.

Submissions (3):

Neuberg Centre For Genomic Medicine, NCGM
Classification: Pathogenic for Griscelli syndrome type 2. Last evaluated: 2023-02-14. Review status: criteria provided, single submitter. Criteria: ACMG Guidelines, 2015. Collection method: clinical testing. Allele origin: germline. Inheritance: Autosomal recessive inheritance. Affected: yes.

Labcorp Genetics (formerly Invitae), Labcorp
Classification: Pathogenic for Griscelli syndrome type 2. Last evaluated: 2022-09-20. Review status: criteria provided, single submitter. Criteria: Invitae Variant Classification Sherloc (09022015). Collection method: clinical testing. Allele origin: germline.
Comment: For these reasons, this variant has been classified as Pathogenic. Algorithms developed to predict the effect of sequence changes on RNA splicing suggest that this variant may disrupt the consensus splice site. ClinVar contains an entry for this variant (Variation ID: 1694156). Disruption of this splice site has been observed in individual(s) with Griscelli syndrome type 2 (PMID: 25801174). This variant is present in population databases (rs761810607, gnomAD 0.01%). This sequence change affects a donor splice site in intron 3 of the RAB27A gene. It is expected to disrupt RNA splicing. Variants that disrupt the donor or acceptor splice site typically lead to a loss of protein function (PMID: 16199547), and loss-of-function variants in RAB27A are known to be pathogenic (PMID: 10835631, 23160464).

Genome Diagnostics Laboratory, The Hospital for Sick Children
Classification: Pathogenic for Autoinflammatory syndrome. Last evaluated: 2021-01-12. Review status: criteria provided, single submitter. Criteria: ACMG Guidelines, 2015. Collection method: clinical testing. Allele origin: germline. Affected: yes.

Literature cited by the submitters: PubMed 25801174 (cited by Labcorp Genetics (formerly Invitae), Labcorp); PubMed 16199547 (cited by Labcorp Genetics (formerly Invitae), Labcorp); PubMed 10835631 (cited by Labcorp Genetics (formerly Invitae), Labcorp); PubMed 23160464 (cited by Labcorp Genetics (formerly Invitae), Labcorp).